The following is an entry in ClinVar:

ClinVar aggregate classification (germline): Uncertain significance (1 of 4 stars; one submission).

gnomAD v4.1: 1 of 1,614,216 alleles (0.000062%); highest among the groups gnomAD compares: Admixed American, 0.0017%; no homozygotes.

Submission:

Labcorp Genetics (formerly Invitae), Labcorp
Classification: Uncertain significance. Last evaluated: 2024-07-20. Review status: criteria provided, single submitter. Criteria: Invitae Variant Classification Sherloc (09022015). Collection method: clinical testing. Allele origin: germline.
Comment: This sequence change replaces cysteine, which is neutral and slightly polar, with arginine, which is basic and polar, at codon 278 of the LRRK1 protein (p.Cys278Arg). This variant is present in population databases (no rsID available, gnomAD 0.003%). This variant has not been reported in the literature in individuals affected with LRRK1-related conditions. An algorithm developed to predict the effect of missense changes on protein structure and function (PolyPhen-2) suggests that this variant is likely to be tolerated. In summary, the available evidence is currently insufficient to determine the role of this variant in disease. Therefore, it has been classified as a Variant of Uncertain Significance.

NM_024652.6(LRRK1):c.832T>C (p.Cys278Arg)

Gene: LRRK1 (leucine rich repeat kinase 1; plus strand). Cytogenetic location: 15q26.3.
Variant type: single nucleotide variant.
Coding change: c.832T>C on transcript NM_024652.6 (MANE Select); coding-DNA position 832, T replaced by C.
Protein change: p.Cys278Arg; replaces cysteine 278 with arginine.
Molecular consequence: missense variant.
Genome position (GRCh38, 1-based): chr15:101,008,906, T>C. VCF-style: chr15-101008906-T-C. GRCh37 (hg19) VCF-style: chr15-101549111-T-C.
Other names: short protein forms C278R.
Identifiers: ClinVar variation 3694924 (VCV003694924.2).
Genomic context (GRCh38, chr15:101,008,906, plus strand): 5'-GTGAAATGGTCCCATCTCAGACTGCCCTGGGTAGACCTAGACTGGCTCATAGACATCTCC[T>C]GCCAGATCACGGAGCTCGACCTTTCTGCCAACTGCCTGGCGACCCTCCCCTCGGTTATCC-3'
Protein context (NP_078928.3, residues 268-288): VDLDWLIDIS[Cys278Arg]QITELDLSAN